The following is an entry in ClinVar:

NM_173598.6(KSR2):c.511C>T (p.Pro171Ser)

Gene: KSR2 (kinase suppressor of ras 2; minus strand). Cytogenetic location: 12q24.23.
Variant type: single nucleotide variant.
Coding change: c.511C>T on transcript NM_173598.6 (MANE Select); coding-DNA position 511, C replaced by T.
Protein change: p.Pro171Ser; replaces proline 171 with serine.
Molecular consequence: missense variant.
Genome position (GRCh38, 1-based): chr12:117,761,486, G>A on the plus strand (C>T on the coding strand, the complement: KSR2 is on the minus strand). VCF-style: chr12-117761486-G-A. GRCh37 (hg19) VCF-style: chr12-118199291-G-A.
Other names: short protein forms P171S.
Identifiers: ClinVar variation 2634670 (VCV002634670.3), dbSNP rs557457685, ClinGen allele CA6816322.

ClinVar aggregate classification (germline): Uncertain significance. Review status: criteria provided, multiple submitters, no conflicts (2 of 4 stars). 2 submissions from 2 submitters: Uncertain significance (2). Last evaluated 2026-08-26.

Conditions:
KSR2-related disorder. Also called: KSR2-related condition.

Allele frequency attached by ClinVar (database versions not stated): ExAC 0.00003; gnomAD 0.00003; gnomAD exomes 0.00006; 1000 Genomes Project 30x 0.00016; 1000 Genomes Project 0.00020.
gnomAD v4.1: 95 of 1,613,444 alleles (0.0059%); highest among the groups gnomAD compares: Non-Finnish European, 0.0075%; no homozygotes.

Submissions (2):

PreventionGenetics, part of Exact Sciences
Classification: Uncertain significance for KSR2-related condition. Last evaluated: 2026-08-26. Review status: criteria provided, single submitter. Criteria: ACMG Guidelines, 2015. Collection method: clinical testing. Allele origin: germline.
Comment: The KSR2 c.424C>T variant is predicted to result in the amino acid substitution p.Pro142Ser. To our knowledge, this variant has not been reported in the literature. This variant is reported in 0.0048% of alleles in individuals of European (Non-Finnish) descent in gnomAD. At this time, the clinical significance of this variant is uncertain due to the absence of conclusive functional and genetic evidence.

Ambry Genetics
Classification: Uncertain significance. Last evaluated: 2025-11-26. Review status: criteria provided, single submitter. Criteria: Ambry Variant Classification Scheme 2023. Collection method: clinical testing. Allele origin: germline.